The following is an entry in ClinVar:

ClinVar aggregate classification (germline): Uncertain significance (1 of 4 stars; one submission).

Allele frequency attached by ClinVar (database versions not stated): gnomAD exomes below 0.00001.
gnomAD v4.1: 1 of 1,597,152 alleles (0.000063%); highest among the groups gnomAD compares: East Asian, 0.0022%; no homozygotes.

Submission:

Labcorp Genetics (formerly Invitae), Labcorp
Classification: Uncertain significance. Last evaluated: 2025-07-07. Review status: criteria provided, single submitter. Criteria: Invitae Variant Classification Sherloc (09022015). Collection method: clinical testing. Allele origin: germline.
Comment: This sequence change falls in intron 6 of the CPA1 gene. It does not directly change the encoded amino acid sequence of the CPA1 protein. It affects a nucleotide within the consensus splice site. This variant is present in population databases (rs374313337, gnomAD 0.006%). This variant has not been reported in the literature in individuals affected with CPA1-related conditions. ClinVar contains an entry for this variant (Variation ID: 2169268). Variants that disrupt the consensus splice site are a relatively common cause of aberrant splicing (PMID: 17576681, 9536098). Algorithms developed to predict the effect of sequence changes on RNA splicing suggest that this variant is not likely to affect RNA splicing. In summary, the available evidence is currently insufficient to determine the role of this variant in disease. Therefore, it has been classified as a Variant of Uncertain Significance.

Literature cited by the submitters: PubMed 17576681; PubMed 9536098.

NM_001868.4(CPA1):c.696+4C>G

Gene: CPA1 (carboxypeptidase A1; plus strand). Cytogenetic location: 7q32.2.
Variant type: single nucleotide variant.
Coding change: c.696+4C>G on transcript NM_001868.4 (MANE Select); 4 bases into the intron after coding-DNA position 696, C replaced by G.
Molecular consequence: intron variant.
Genome position (GRCh38, 1-based): chr7:130,383,798, C>G. VCF-style: chr7-130383798-C-G. GRCh37 (hg19) VCF-style: chr7-130023639-C-G.
Identifiers: ClinVar variation 2169268 (VCV002169268.4), dbSNP rs374313337, ClinGen allele CA4484894.
Genomic context (GRCh38, chr7:130,383,798, plus strand): 5'-GACATCTTCCTGGAGATCGTCACCAACCCTGATGGCTTTGCCTTCACGCACAGCACGGTA[C>G]CGGCCTTCTCCTGTCCTTGGGGGAAGCAGGATGGGCCTCTGGCTTCTAAGCTGCACAAGT-3'